The following is an entry in ClinVar:

ClinVar aggregate classification (germline): Uncertain significance. Review status: criteria provided, multiple submitters, no conflicts (2 of 4 stars). 2 submissions from 2 submitters: Uncertain significance (2). Last evaluated 2025-08-17.

Conditions:
Inborn genetic diseases. Identifiers: MedGen C0950123, MeSH D030342.

gnomAD v4.1: 3 of 1,613,064 alleles (0.00019%); highest among the groups gnomAD compares: Non-Finnish European, 0.00025%; no homozygotes.

Submissions (2):

Labcorp Genetics (formerly Invitae), Labcorp
Classification: Uncertain significance. Last evaluated: 2025-08-17. Review status: criteria provided, single submitter. Criteria: Invitae Variant Classification Sherloc (09022015). Collection method: clinical testing. Allele origin: germline.
Comment: This sequence change replaces glutamine, which is neutral and polar, with arginine, which is basic and polar, at codon 815 of the ANKRD26 protein (p.Gln815Arg). The frequency data for this variant in the population databases is considered unreliable, as metrics indicate poor data quality at this position in the gnomAD database. This variant has not been reported in the literature in individuals affected with ANKRD26-related conditions. An algorithm developed to predict the effect of missense changes on protein structure and function (PolyPhen-2) suggests that this variant is likely to be tolerated. In summary, the available evidence is currently insufficient to determine the role of this variant in disease. Therefore, it has been classified as a Variant of Uncertain Significance.

Ambry Genetics
Classification: Uncertain significance for Inborn genetic diseases. Last evaluated: 2025-06-20. Review status: criteria provided, single submitter. Criteria: Ambry Variant Classification Scheme 2023. Collection method: clinical testing. Allele origin: germline.
Comment: The p.Q815R variant (also known as c.2444A>G), located in coding exon 22 of the ANKRD26 gene, results from an A to G substitution at nucleotide position 2444. The glutamine at codon 815 is replaced by arginine, an amino acid with highly similar properties. This amino acid position is conserved. In addition, this alteration is predicted to be tolerated by in silico analysis. Based on the available evidence, the clinical significance of this variant remains unclear.

NM_014915.3(ANKRD26):c.2444A>G (p.Gln815Arg)

Gene: ANKRD26 (ankyrin repeat domain 26; minus strand). Cytogenetic location: 10p12.1.
Variant type: single nucleotide variant.
Coding change: c.2444A>G on transcript NM_014915.3 (MANE Select); coding-DNA position 2444, A replaced by G.
Protein change: p.Gln815Arg; replaces glutamine 815 with arginine.
Molecular consequence: missense variant.
Genome position (GRCh38, 1-based): chr10:27,037,986, T>C on the plus strand (A>G on the coding strand, the complement: ANKRD26 is on the minus strand). VCF-style: chr10-27037986-T-C. GRCh37 (hg19) VCF-style: chr10-27326915-T-C.
Other names: c.2441A>G, p.Gln814Arg (NM_001256053.2); short protein forms Q815R, Q814R.
Identifiers: ClinVar variation 4102804 (VCV004102804.2).